The following is an entry in ClinVar:

NM_001384732.1(CPLANE1):c.6373G>C (p.Gly2125Arg)

Gene: CPLANE1 (ciliogenesis and planar polarity effector complex subunit 1; minus strand). Cytogenetic location: 5p13.2.
Variant type: single nucleotide variant.
Coding change: c.6373G>C on transcript NM_001384732.1 (MANE Select); coding-DNA position 6373, G replaced by C.
Protein change: p.Gly2125Arg; replaces glycine 2125 with arginine.
Molecular consequence: missense variant.
Genome position (GRCh38, 1-based): chr5:37,170,130, C>G on the plus strand (G>C on the coding strand, the complement: CPLANE1 is on the minus strand). VCF-style: chr5-37170130-C-G. GRCh37 (hg19) VCF-style: chr5-37170232-C-G.
Other names: c.6373G>C, p.Gly2125Arg (NM_023073.4); short protein forms G2125R.
Identifiers: ClinVar variation 1468572 (VCV001468572.6), dbSNP rs1241858107, ClinGen allele CA359481637.
Genomic context (GRCh38, chr5:37,170,130, plus strand): 5'-ATGGGATAGTTCCTTCATGGCAGTGTGGGCTGTTCTTGCGAGGCTCTCTGGCGTTCTCTC[C>G]CATTGACTGTGGTTTAATAAAAAATCTCTCCTTAAGATTTTTGTTGCTGTCTTCAACATC-3'
Protein context (NP_001371661.1, residues 2115-2135): ERFFIKPQSM[Gly2125Arg]ENAREPRKNS

ClinVar aggregate classification (germline): Uncertain significance (1 of 4 stars; one submission).

Submission:

Labcorp Genetics (formerly Invitae), Labcorp
Classification: Uncertain significance. Last evaluated: 2023-08-17. Review status: criteria provided, single submitter. Criteria: Invitae Variant Classification Sherloc (09022015). Collection method: clinical testing. Allele origin: germline.
Comment: In summary, the available evidence is currently insufficient to determine the role of this variant in disease. Therefore, it has been classified as a Variant of Uncertain Significance. Advanced modeling of protein sequence and biophysical properties (such as structural, functional, and spatial information, amino acid conservation, physicochemical variation, residue mobility, and thermodynamic stability) performed at Invitae indicates that this missense variant is not expected to disrupt CPLANE1 protein function. ClinVar contains an entry for this variant (Variation ID: 1468572). This variant has not been reported in the literature in individuals affected with CPLANE1-related conditions. This variant is not present in population databases (gnomAD no frequency). This sequence change replaces glycine, which is neutral and non-polar, with arginine, which is basic and polar, at codon 2125 of the CPLANE1 protein (p.Gly2125Arg).